The following is an entry in ClinVar:

ClinVar aggregate classification (germline): Pathogenic. Review status: criteria provided, multiple submitters, no conflicts (2 of 4 stars). 2 submissions from 2 submitters: Pathogenic (2). Last evaluated 2024-01-23.

Conditions:
Hereditary cancer-predisposing syndrome. Also called: Neoplastic Syndromes, Hereditary; Tumor predisposition; Hereditary neoplastic syndrome; Hereditary Cancer Syndrome. Identifiers: Orphanet 140162, MedGen C0027672, MeSH D009386, MONDO:0015356.
Familial cancer of breast. Also called: BREAST CANCER, FAMILIAL; Hereditary breast cancer; hereditary breast carcinoma. Identifiers: Orphanet 227535, MedGen C0346153, MONDO:0016419, OMIM 114480. Disease mechanism: loss of function.

Submissions (2):

Myriad Genetics, Inc.
Classification: Pathogenic for Familial cancer of breast. Last evaluated: 2024-01-23. Review status: criteria provided, single submitter. Criteria: Myriad Autosomal Dominant, Autosomal Recessive and X-Linked Classification Criteria (2023). Collection method: clinical testing. Allele origin: unknown.
Comment: This variant is considered pathogenic. This variant creates a termination codon and is predicted to result in premature protein truncation.

Ambry Genetics
Classification: Pathogenic for Hereditary cancer-predisposing syndrome. Last evaluated: 2018-08-21. Review status: criteria provided, single submitter. Criteria: Ambry Variant Classification Scheme 2023. Collection method: clinical testing. Allele origin: germline.
Comment: The p.K1417* pathogenic mutation (also known as c.4249A>T), located in coding exon 28 of the ATM gene, results from an A to T substitution at nucleotide position 4249. This changes the amino acid from a lysine to a stop codon within coding exon 28. This alteration is expected to result in loss of function by premature protein truncation or nonsense-mediated mRNA decay. As such, this alteration is interpreted as a disease-causing mutation.

NM_000051.4(ATM):c.4249A>T (p.Lys1417Ter)

Gene: ATM (ATM serine/threonine kinase; plus strand). Cytogenetic location: 11q22.3.
Variant type: single nucleotide variant.
Coding change: c.4249A>T on transcript NM_000051.4 (MANE Select); coding-DNA position 4249, A replaced by T.
Protein change: p.Lys1417Ter; replaces lysine 1417 with a stop codon.
Molecular consequence: nonsense.
Genome position (GRCh38, 1-based): chr11:108,289,614, A>T. VCF-style: chr11-108289614-A-T. GRCh37 (hg19) VCF-style: chr11-108160341-A-T.
Other names: c.4249A>T, p.Lys1417Ter (NM_001351834.2); short protein forms K1417*.
Identifiers: ClinVar variation 824717 (VCV000824717.4), dbSNP rs1591662598, ClinGen allele CA382531037.